The following is an entry in ClinVar:

ClinVar aggregate classification (germline): Uncertain significance (1 of 4 stars; one submission).

Allele frequency attached by ClinVar (database versions not stated): ExAC 0.00001.
gnomAD v4.1: 1 of 1,614,164 alleles (0.000062%); highest among the groups gnomAD compares: East Asian, 0.0022%; no homozygotes.

Submission:

Labcorp Genetics (formerly Invitae), Labcorp
Classification: Uncertain significance. Last evaluated: 2022-10-30. Review status: criteria provided, single submitter. Criteria: Invitae Variant Classification Sherloc (09022015). Collection method: clinical testing. Allele origin: germline.
Comment: In summary, the available evidence is currently insufficient to determine the role of this variant in disease. Therefore, it has been classified as a Variant of Uncertain Significance. Advanced modeling of protein sequence and biophysical properties (such as structural, functional, and spatial information, amino acid conservation, physicochemical variation, residue mobility, and thermodynamic stability) performed at Invitae indicates that this missense variant is not expected to disrupt TRRAP protein function. This variant has not been reported in the literature in individuals affected with TRRAP-related conditions. This variant is present in population databases (rs781833424, gnomAD 0.006%). This sequence change replaces threonine, which is neutral and polar, with alanine, which is neutral and non-polar, at codon 1255 of the TRRAP protein (p.Thr1255Ala).

NM_001375524.1(TRRAP):c.3763A>G (p.Thr1255Ala)

Gene: TRRAP (transformation/transcription domain associated protein; plus strand). Cytogenetic location: 7q22.1.
Variant type: single nucleotide variant.
Coding change: c.3763A>G on transcript NM_001375524.1 (MANE Select); coding-DNA position 3763, A replaced by G.
Protein change: p.Thr1255Ala; replaces threonine 1255 with alanine.
Molecular consequence: missense variant.
Genome position (GRCh38, 1-based): chr7:98,931,576, A>G. VCF-style: chr7-98931576-A-G. GRCh37 (hg19) VCF-style: chr7-98529199-A-G.
Other names: c.3763A>G, p.Thr1255Ala (NM_001244580.2, NM_003496.4); short protein forms T1255A.
Identifiers: ClinVar variation 2781804 (VCV002781804.3), dbSNP rs781833424, ClinGen allele CA4360057.
Genomic context (GRCh38, chr7:98,931,576, plus strand): 5'-GAAAAGTCTTTCCACCATGTGACACACGACTTGGTTCGAGAAGTCACCTCTCCAAACTCC[A>G]CTGTGAGGAAGCAGGCCATGCATTCGCTGCAGGTGTTGGCCCAGGTCACTGGGAAGAGTG-3'
Protein context (NP_001362453.1, residues 1245-1265): LVREVTSPNS[Thr1255Ala]VRKQAMHSLQ